The following is an entry in ClinVar:

ClinVar aggregate classification (germline): Pathogenic (1 of 4 stars; one submission).

Submission:

Labcorp Genetics (formerly Invitae), Labcorp
Classification: Pathogenic. Last evaluated: 2023-12-30. Review status: criteria provided, single submitter. Criteria: Invitae Variant Classification Sherloc (09022015). Collection method: clinical testing. Allele origin: germline.
Comment: This sequence change creates a premature translational stop signal (p.Pro1205Alafs*14) in the COL7A1 gene. It is expected to result in an absent or disrupted protein product. Loss-of-function variants in COL7A1 are known to be pathogenic (PMID: 16971478). This variant is not present in population databases (gnomAD no frequency). This variant has not been reported in the literature in individuals affected with COL7A1-related conditions. For these reasons, this variant has been classified as Pathogenic.

Literature cited by the submitters: PubMed 16971478.

NM_000094.4(COL7A1):c.3611dup (p.Pro1205fs)

Gene: COL7A1 (collagen type VII alpha 1 chain; minus strand). Cytogenetic location: 3p21.31.
Variant type: Duplication.
Coding change: c.3611dup on transcript NM_000094.4 (MANE Select); coding-DNA position 3611, one base duplicated (C; older notation c.3611dupC).
Protein change: p.Pro1205fs; shifts the reading frame from proline 1205.
Molecular consequence: frameshift variant.
Genome position (GRCh38, 1-based): chr3:48,586,186, G duplicated on the plus strand (C on the coding strand, the reverse complement: COL7A1 is on the minus strand). VCF-style (leftmost placement, unchanged base first): chr3-48586185-C-CG. GRCh37 (hg19) VCF-style: chr3-48623618-C-CG.
Other names: short protein forms P1205fs.
Identifiers: ClinVar variation 2706636 (VCV002706636.3), dbSNP rs2531204647, ClinGen allele CA2697550933.